The following is an entry in ClinVar:

ClinVar aggregate classification (germline): Likely benign. Review status: criteria provided, multiple submitters, no conflicts (2 of 4 stars). 2 submissions from 2 submitters: Likely benign (2). Last evaluated 2025-07-14.

Conditions:
Marfan syndrome (MFS). Also called: MARFAN SYNDROME, TYPE I; FBN1-Related Marfan Syndrome; Marfan syndrome type 1; Marfan's syndrome; Marfan syndrome, classic. Identifiers: Orphanet 284963, Orphanet 558, MedGen C0024796, MONDO:0007947, OMIM 154700.
Familial thoracic aortic aneurysm and aortic dissection (TAAD). Also called: Thoracic aortic aneurysms and dissections. Identifiers: Orphanet 91387, MedGen C4707243, MONDO:0019625.

Allele frequency attached by ClinVar (database versions not stated): gnomAD exomes below 0.00001; TOPMed below 0.00001.
gnomAD v4.1: 6 of 1,614,088 alleles (0.00037%); highest among the groups gnomAD compares: South Asian, 0.0011%; no homozygotes.

Submissions (2):

Labcorp Genetics (formerly Invitae), Labcorp
Classification: Likely benign for Marfan syndrome; Familial thoracic aortic aneurysm and aortic dissection. Last evaluated: 2025-07-14. Review status: criteria provided, single submitter. Criteria: Invitae Variant Classification Sherloc (09022015). Collection method: clinical testing. Allele origin: germline.

GeneDx
Classification: Likely benign. Last evaluated: 2018-05-29. Review status: criteria provided, single submitter. Criteria: GeneDx Variant Classification (06012015). Collection method: clinical testing. Allele origin: germline. Affected: yes.
Comment: This variant is considered likely benign or benign based on one or more of the following criteria: it is a conservative change, it occurs at a poorly conserved position in the protein, it is predicted to be benign by multiple in silico algorithms, and/or has population frequency not consistent with disease.

NM_000138.5(FBN1):c.4088-17T>C

Gene: FBN1 (fibrillin 1; minus strand). Cytogenetic location: 15q21.1.
Variant type: single nucleotide variant.
Coding change: c.4088-17T>C on transcript NM_000138.5 (MANE Select); 17 bases into the intron before coding-DNA position 4088, T replaced by C.
Molecular consequence: intron variant.
Genome position (GRCh38, 1-based): chr15:48,474,394, A>G on the plus strand (T>C on the coding strand, the complement: FBN1 is on the minus strand). VCF-style: chr15-48474394-A-G. GRCh37 (hg19) VCF-style: chr15-48766591-A-G.
Identifiers: ClinVar variation 668623 (VCV000668623.4), dbSNP rs1397067049, ClinGen allele CA713414237.